The following is an entry in ClinVar:

NM_001365536.1(SCN9A):c.3046A>G (p.Lys1016Glu)

Genes: SCN1A-AS1 (SCN1A and SCN9A antisense RNA 1; plus strand), SCN9A (sodium voltage-gated channel alpha subunit 9; minus strand). Cytogenetic location: 2q24.3.
Variant type: single nucleotide variant.
Coding change: c.3046A>G on transcript NM_001365536.1 (MANE Select); coding-DNA position 3046, A replaced by G.
Protein change: p.Lys1016Glu; replaces lysine 1016 with glutamic acid.
Molecular consequence: missense variant.
Genome position (GRCh38, 1-based): chr2:166,272,704, T>C on the plus strand (A>G on the coding strand, the complement: SCN9A is on the minus strand). VCF-style: chr2-166272704-T-C. GRCh37 (hg19) VCF-style: chr2-167129214-T-C.
Other names: c.3013A>G, p.Lys1005Glu (NM_002977.4); short protein forms K1005E, K1016E.
Identifiers: ClinVar variation 3750757 (VCV003750757.2).

ClinVar aggregate classification (germline): Uncertain significance (1 of 4 stars; one submission).

Conditions:
Neuropathy, hereditary sensory and autonomic, type 2A (HSAN2A). Also called: MORVAN DISEASE; NEUROPATHY, CONGENITAL SENSORY; NEUROPATHY, HEREDITARY SENSORY RADICULAR, AUTOSOMAL RECESSIVE; NEUROPATHY, HEREDITARY SENSORY, TYPE IIA; NEUROPATHY, PROGRESSIVE SENSORY, OF CHILDREN; ACROOSTEOLYSIS, GIACCAI TYPE. Identifiers: Orphanet 970, MedGen C2752089, MONDO:0024309, OMIM 201300.
Generalized epilepsy with febrile seizures plus, type 7 (GEFSP7). Also called: GEFS+, TYPE 7. Identifiers: Orphanet 36387, MedGen C2751778, MONDO:0013470, OMIM 613863.

gnomAD v4.1: 3 of 1,597,044 alleles (0.00019%); highest among the groups gnomAD compares: Non-Finnish European, 0.00026%; no homozygotes.

Submission:

Labcorp Genetics (formerly Invitae), Labcorp
Classification: Uncertain significance for Neuropathy, hereditary sensory and autonomic, type 2A; Generalized epilepsy with febrile seizures plus, type 7. Last evaluated: 2024-07-30. Review status: criteria provided, single submitter. Criteria: Invitae Variant Classification Sherloc (09022015). Collection method: clinical testing. Allele origin: germline.
Comment: This sequence change replaces lysine, which is basic and polar, with glutamic acid, which is acidic and polar, at codon 1005 of the SCN9A protein (p.Lys1005Glu). This variant is not present in population databases (gnomAD no frequency). This variant has not been reported in the literature in individuals affected with SCN9A-related conditions. Advanced modeling of protein sequence and biophysical properties (such as structural, functional, and spatial information, amino acid conservation, physicochemical variation, residue mobility, and thermodynamic stability) performed at Invitae indicates that this missense variant is not expected to disrupt SCN9A protein function with a negative predictive value of 95%. In summary, the available evidence is currently insufficient to determine the role of this variant in disease. Therefore, it has been classified as a Variant of Uncertain Significance.